The following is an entry in ClinVar:

NM_001083614.2(EARS2):c.357G>T (p.Gln119His)

Gene: EARS2 (glutamyl-tRNA synthetase 2, mitochondrial; minus strand). Cytogenetic location: 16p12.2.
Variant type: single nucleotide variant.
Coding change: c.357G>T on transcript NM_001083614.2 (MANE Select); coding-DNA position 357, G replaced by T.
Protein change: p.Gln119His; replaces glutamine 119 with histidine.
Molecular consequence: missense variant. On other transcripts: non-coding transcript variant (1).
Genome position (GRCh38, 1-based): chr16:23,544,642, C>A on the plus strand (G>T on the coding strand, the complement: EARS2 is on the minus strand). VCF-style: chr16-23544642-C-A. GRCh37 (hg19) VCF-style: chr16-23555963-C-A.
Other names: p.Gln119His; c.357G>T, p.Gln119His (NM_001308211.1); short protein forms Q119H.
Identifiers: ClinVar variation 3380379 (VCV003380379.1).

ClinVar aggregate classification (germline): Uncertain significance (1 of 4 stars; one submission).

gnomAD v4.1: 5 of 1,611,694 alleles (0.00031%); highest among the groups gnomAD compares: Non-Finnish European, 0.00042%; no homozygotes.

Submission:

Mayo Clinic Laboratories, Mayo Clinic
Classification: Uncertain significance. Last evaluated: 2023-10-31. Review status: criteria provided, single submitter. Criteria: ACMG Guidelines, 2015. Collection method: clinical testing. Allele origin: germline. Observed: 1 variant allele.
Comment: BP4, PM2_moderate